The following is an entry in ClinVar:

NM_001048174.2(MUTYH):c.184del (p.Asp61_Val62insTer)

Gene: MUTYH (mutY DNA glycosylase; minus strand). Cytogenetic location: 1p34.1.
Variant type: Deletion.
Coding change: c.184del on transcript NM_001048174.2 (MANE Select); coding-DNA position 184, one base deleted (G; older notation c.184delG).
Protein change: p.Asp61_Val62insTer.
Molecular consequence: nonsense. On other transcripts: 5 prime UTR variant (4), frameshift variant (17), non-coding transcript variant (2).
Genome position (GRCh38, 1-based): chr1:45,333,493, C deleted on the plus strand (G on the coding strand, the reverse complement: MUTYH is on the minus strand). VCF-style (leftmost placement, unchanged base first): chr1-45333492-AC-A. GRCh37 (hg19) VCF-style: chr1-45799164-AC-A.
Other names: c.184del, p.Asp61_Val62insTer (NM_001048171.2, NM_001048173.2, NM_001293195.2); c.187del, p.Asp62_Val63insTer (NM_001048172.2); c.268del, p.Asp89_Val90insTer (NM_001128425.2); c.229del, p.Asp76_Val77insTer (NM_001293190.2); c.217del, p.Asp72_Val73insTer (NM_001293191.2); c.-93del (NM_001293192.2, NM_001293196.2); c.-88del (NM_001350650.2, NM_001350651.2); c.259delG, p.Val87Terfs (NM_001407069.1); and 9 more.
Identifiers: ClinVar variation 2101925 (VCV002101925.4), dbSNP rs2524273974, ClinGen allele CA2580063278.

ClinVar aggregate classification (germline): Pathogenic (1 of 4 stars; one submission).

Conditions:
Familial adenomatous polyposis 2. Also called: MUTYH Polyposis; COLORECTAL ADENOMATOUS POLYPOSIS, AUTOSOMAL RECESSIVE; ADENOMAS, MULTIPLE COLORECTAL, AUTOSOMAL RECESSIVE; MUTYH-associated polyposis; MYH-associated polyposis; MUTYH-related attenuated familial adenomatous polyposis. Identifiers: Orphanet 220460, Orphanet 247798, MedGen C3272841, MONDO:0012041, OMIM 608456.

Submission:

Labcorp Genetics (formerly Invitae), Labcorp
Classification: Pathogenic for Familial adenomatous polyposis 2. Last evaluated: 2022-04-21. Review status: criteria provided, single submitter. Criteria: Invitae Variant Classification Sherloc (09022015). Collection method: clinical testing. Allele origin: germline.
Comment: For these reasons, this variant has been classified as Pathogenic. This variant has not been reported in the literature in individuals affected with MUTYH-related conditions. This variant is not present in population databases (gnomAD no frequency). This sequence change creates a premature translational stop signal (p.Val90*) in the MUTYH gene. It is expected to result in an absent or disrupted protein product. Loss-of-function variants in MUTYH are known to be pathogenic (PMID: 18534194, 20663686).

Literature cited by the submitters: PubMed 18534194; PubMed 20663686.